The following is an entry in ClinVar:

ClinVar aggregate classification (germline): Uncertain significance (1 of 4 stars; one submission).

gnomAD v4.1: 7 of 1,613,618 alleles (0.00043%); highest among the groups gnomAD compares: Admixed American, 0.0033%; no homozygotes.

Submission:

Labcorp Genetics (formerly Invitae), Labcorp
Classification: Uncertain significance. Last evaluated: 2025-06-12. Review status: criteria provided, single submitter. Criteria: Invitae Variant Classification Sherloc (09022015). Collection method: clinical testing. Allele origin: germline.
Comment: This sequence change replaces glutamic acid, which is acidic and polar, with glutamine, which is neutral and polar, at codon 107 of the RIPK1 protein (p.Glu107Gln). This variant is not present in population databases (gnomAD no frequency). This variant has not been reported in the literature in individuals affected with RIPK1-related conditions. ClinVar contains an entry for this variant (Variation ID: 1952736). An algorithm developed to predict the effect of missense changes on protein structure and function outputs the following: PolyPhen-2: "Benign". The glutamine amino acid residue is found in multiple mammalian species, which suggests that this missense change does not adversely affect protein function. In summary, the available evidence is currently insufficient to determine the role of this variant in disease. Therefore, it has been classified as a Variant of Uncertain Significance.

NM_001354930.2(RIPK1):c.319G>C (p.Glu107Gln)

Gene: RIPK1 (receptor interacting serine/threonine kinase 1; plus strand). Cytogenetic location: 6p25.2.
Variant type: single nucleotide variant.
Coding change: c.319G>C on transcript NM_001354930.2 (MANE Select); coding-DNA position 319, G replaced by C.
Protein change: p.Glu107Gln; replaces glutamic acid 107 with glutamine.
Molecular consequence: missense variant. On other transcripts: 5 prime UTR variant (4).
Genome position (GRCh38, 1-based): chr6:3,077,933, G>C. VCF-style: chr6-3077933-G-C. GRCh37 (hg19) VCF-style: chr6-3078167-G-C.
Other names: c.-285G>C (NM_001354933.2, NM_001354934.2, NM_001317061.3 and 1 more transcripts); c.319G>C, p.Glu107Gln (NM_003804.6, NM_001354931.2); short protein forms E107Q.
Identifiers: ClinVar variation 1952736 (VCV001952736.5), dbSNP rs765452429, ClinGen allele CA362575227.
Genomic context (GRCh38, chr6:3,077,933, plus strand): 5'-AAGTACTCCCTGGTGATGGAGTACATGGAGAAGGGCAACCTGATGCACGTGCTGAAAGCC[G>C]AGGTAGAGAGGGCCCCTCCGCACGGGGATCCCCAGCGCTTGGGCCCTGGCTGTCTGTTAT-3'
Protein context (NP_001341859.1, residues 97-117): KGNLMHVLKA[Glu107Gln]MSTPLSVKGR